The following is an entry in ClinVar:

NM_000179.3(MSH6):c.3709G>C (p.Glu1237Gln)

Gene: MSH6 (mutS homolog 6; plus strand). Cytogenetic location: 2p16.3.
Variant type: single nucleotide variant.
Coding change: c.3709G>C on transcript NM_000179.3 (MANE Select); coding-DNA position 3709, G replaced by C.
Protein change: p.Glu1237Gln; replaces glutamic acid 1237 with glutamine.
Molecular consequence: missense variant.
Genome position (GRCh38, 1-based): chr2:47,806,266, G>C. VCF-style: chr2-47806266-G-C. GRCh37 (hg19) VCF-style: chr2-48033405-G-C.
Other names: c.3319G>C, p.Glu1107Gln (NM_001281492.2); c.2803G>C, p.Glu935Gln (NM_001281493.2, NM_001281494.2); c.3709G>C (NM_000179.2); short protein forms E1107Q, E1237Q, E935Q.
Identifiers: ClinVar variation 1020782 (VCV001020782.11), dbSNP rs1670047042, ClinGen allele CA346760996.

ClinVar aggregate classification (germline): Uncertain significance. Review status: criteria provided, multiple submitters, no conflicts (2 of 4 stars). 3 submissions from 3 submitters: Uncertain significance (3). Last evaluated 2026-07-07.

Conditions:
Hereditary cancer-predisposing syndrome. Also called: Tumor predisposition; Hereditary Cancer Syndrome; Hereditary neoplastic syndrome; Neoplastic Syndromes, Hereditary. Identifiers: Orphanet 140162, MedGen C0027672, MeSH D009386, MONDO:0015356.
Hereditary nonpolyposis colorectal neoplasms. Identifiers: MedGen C0009405, MeSH D003123.

Allele frequency attached by ClinVar (database versions not stated): gnomAD exomes below 0.00001.
gnomAD v4.1: 3 of 1,614,054 alleles (0.00019%); highest among the groups gnomAD compares: Non-Finnish European, 0.00025%; no homozygotes.

Submissions (3):

Ambry Genetics
Classification: Uncertain significance for Hereditary cancer-predisposing syndrome. Last evaluated: 2026-07-07. Review status: criteria provided, single submitter. Criteria: Ambry Variant Classification Scheme 2023. Collection method: clinical testing. Allele origin: germline.
Comment: The p.E1237Q variant (also known as c.3709G>C), located in coding exon 8 of the MSH6 gene, results from a G to C substitution at nucleotide position 3709. The glutamic acid at codon 1237 is replaced by glutamine, an amino acid with highly similar properties. This amino acid position is conserved. In addition, the in silico prediction for this alteration is inconclusive. Based on the available evidence, the clinical significance of this variant remains unclear.

Labcorp Genetics (formerly Invitae), Labcorp
Classification: Uncertain significance for Hereditary nonpolyposis colorectal neoplasms. Last evaluated: 2024-12-02. Review status: criteria provided, single submitter. Criteria: Invitae Variant Classification Sherloc (09022015). Collection method: clinical testing. Allele origin: germline.
Comment: This sequence change replaces glutamic acid, which is acidic and polar, with glutamine, which is neutral and polar, at codon 1237 of the MSH6 protein (p.Glu1237Gln). This variant is not present in population databases (gnomAD no frequency). This variant has not been reported in the literature in individuals affected with MSH6-related conditions. ClinVar contains an entry for this variant (Variation ID: 1020782). Invitae Evidence Modeling of protein sequence and biophysical properties (such as structural, functional, and spatial information, amino acid conservation, physicochemical variation, residue mobility, and thermodynamic stability) indicates that this missense variant is not expected to disrupt MSH6 protein function with a negative predictive value of 95%. In summary, the available evidence is currently insufficient to determine the role of this variant in disease. Therefore, it has been classified as a Variant of Uncertain Significance.

Color Diagnostics, LLC DBA Color Health
Classification: Uncertain significance for Hereditary cancer-predisposing syndrome. Last evaluated: 2024-06-17. Review status: criteria provided, single submitter. Criteria: ACMG Guidelines, 2015. Collection method: clinical testing. Allele origin: germline.
Comment: This missense variant replaces glutamic acid with glutamine at codon 1237 of the MSH6 protein. Computational prediction suggests that this variant may not impact protein structure and function (internally defined REVEL score threshold <= 0.5, PMID: 27666373). To our knowledge, functional studies have not been reported for this variant. This variant has not been reported in individuals affected with MSH6-related disorders in the literature. This variant has not been identified in the general population by the Genome Aggregation Database (gnomAD). The available evidence is insufficient to determine the role of this variant in disease conclusively. Therefore, this variant is classified as a Variant of Uncertain Significance.